The following is an entry in ClinVar:

ClinVar aggregate classification (germline): Likely pathogenic (1 of 4 stars; one submission).

Conditions:
Hereditary cancer-predisposing syndrome. Also called: Tumor predisposition; Neoplastic Syndromes, Hereditary; Hereditary Cancer Syndrome; Hereditary neoplastic syndrome. Identifiers: Orphanet 140162, MedGen C0027672, MeSH D009386, MONDO:0015356.

Allele frequency attached by ClinVar (database versions not stated): gnomAD exomes below 0.00001.
gnomAD v4.1: 1 of 1,614,240 alleles (0.000062%); highest among the groups gnomAD compares: African/African-American, 0.0013%; no homozygotes.

Submission:

Ambry Genetics
Classification: Likely pathogenic for Hereditary cancer-predisposing syndrome. Last evaluated: 2026-08-14. Review status: criteria provided, single submitter. Criteria: Ambry Variant Classification Scheme 2023. Collection method: clinical testing. Allele origin: germline.
Comment: The p.M336R variant (also known as c.1007T>G), located in coding exon 7 of the FH gene, results from a T to G substitution at nucleotide position 1007. The methionine at codon 336 is replaced by arginine, an amino acid with similar properties. This variant was reported in individual(s) with features consistent with FH-related tumor predisposition syndrome (Ambry internal data). Internal structural analysis indicates that this substitution is predicted to be more destabilizing than other nearby, known pathogenic variants (Ambry internal data). This amino acid position is highly conserved in available vertebrate species. In addition, this alteration is predicted to be deleterious by in silico analysis. This variant is considered to be rare based on population cohorts in the Genome Aggregation Database (gnomAD). Based on the majority of available evidence to date, this variant is likely to be pathogenic.

NM_000143.4(FH):c.1007T>G (p.Met336Arg)

Gene: FH (fumarate hydratase; minus strand). Cytogenetic location: 1q43.
Variant type: single nucleotide variant.
Coding change: c.1007T>G on transcript NM_000143.4 (MANE Select); coding-DNA position 1007, T replaced by G.
Protein change: p.Met336Arg; replaces methionine 336 with arginine.
Molecular consequence: missense variant.
Genome position (GRCh38, 1-based): chr1:241,504,143, A>C on the plus strand (T>G on the coding strand, the complement: FH is on the minus strand). VCF-style: chr1-241504143-A-C. GRCh37 (hg19) VCF-style: chr1-241667443-A-C.
Other names: short protein forms M336R.
Identifiers: ClinVar variation 214381 (VCV000214381.6), dbSNP rs863223972, ClinGen allele CA322414.